The following is an entry in ClinVar:

ClinVar aggregate classification (germline): Benign. Review status: criteria provided, multiple submitters, no conflicts (2 of 4 stars). 2 submissions from 2 submitters: Benign (2). Last evaluated 2016-03-15.

Allele frequency attached by ClinVar (database versions not stated): 1000 Genomes Project 30x 0.58398; 1000 Genomes Project 0.59073; ExAC 0.39515; gnomAD 0.44644 and 0.44880; ESP Exome Variant Server 0.45711; TOPMed 0.47580; gnomAD exomes 0.31638 and 0.38440.
gnomAD v4.1: 396,660 of 1,205,591 alleles (33%); highest among the groups gnomAD compares: African/African-American, 80%; 52,644 homozygotes.

Submissions (2):

GeneDx
Classification: Benign. Last evaluated: 2016-03-15. Review status: criteria provided, single submitter. Criteria: GeneDx Variant Classification (06012015). Collection method: clinical testing. Allele origin: germline. Affected: yes.
Comment: This variant is considered likely benign or benign based on one or more of the following criteria: it is a conservative change, it occurs at a poorly conserved position in the protein, it is predicted to be benign by multiple in silico algorithms, and/or has population frequency not consistent with disease.

Breakthrough Genomics
Classification: Benign. Review status: criteria provided, single submitter. Criteria: ACMG Guidelines, 2015. Collection method: not provided. Allele origin: germline. Inheritance: Unknown mechanism. Affected: yes.

NM_003399.6(XPNPEP2):c.447T>C (p.Pro149=)

Gene: XPNPEP2 (X-prolyl aminopeptidase 2; plus strand). Cytogenetic location: Xq26.1.
Variant type: single nucleotide variant.
Coding change: c.447T>C on transcript NM_003399.6 (MANE Select); coding-DNA position 447, T replaced by C.
Protein change: p.Pro149=; no amino-acid change (proline 149 retained).
Molecular consequence: synonymous variant.
Genome position (GRCh38, 1-based): chrX:129,746,638, T>C. VCF-style: chrX-129746638-T-C. GRCh37 (hg19) VCF-style: chrX-128880614-T-C.
Identifiers: ClinVar variation 380656 (VCV000380656.2), dbSNP rs3747343, ClinGen allele CA10512657.